The following is an entry in ClinVar:

ClinVar aggregate classification (germline): Uncertain significance (1 of 4 stars; one submission).

Submission:

Labcorp Genetics (formerly Invitae), Labcorp
Classification: Uncertain significance. Last evaluated: 2025-06-25. Review status: criteria provided, single submitter. Criteria: Invitae Variant Classification Sherloc (09022015). Collection method: clinical testing. Allele origin: germline.
Comment: This sequence change replaces tyrosine, which is neutral and polar, with phenylalanine, which is neutral and non-polar, at codon 246 of the PAX5 protein (p.Tyr246Phe). This variant is not present in population databases (gnomAD no frequency). This variant has not been reported in the literature in individuals affected with PAX5-related conditions. Invitae Evidence Modeling of protein sequence and biophysical properties (such as structural, functional, and spatial information, amino acid conservation, physicochemical variation, residue mobility, and thermodynamic stability) indicates that this missense variant is not expected to disrupt PAX5 protein function with a negative predictive value of 80%. In summary, the available evidence is currently insufficient to determine the role of this variant in disease. Therefore, it has been classified as a Variant of Uncertain Significance.

NM_016734.3(PAX5):c.737A>T (p.Tyr246Phe)

Gene: PAX5 (paired box 5; minus strand). Cytogenetic location: 9p13.2.
Variant type: single nucleotide variant.
Coding change: c.737A>T on transcript NM_016734.3 (MANE Select); coding-DNA position 737, A replaced by T.
Protein change: p.Tyr246Phe; replaces tyrosine 246 with phenylalanine.
Molecular consequence: missense variant. On other transcripts: non-coding transcript variant (2).
Genome position (GRCh38, 1-based): chr9:36,966,592, T>A on the plus strand (A>T on the coding strand, the complement: PAX5 is on the minus strand). VCF-style: chr9-36966592-T-A. GRCh37 (hg19) VCF-style: chr9-36966589-T-A.
Other names: c.737A>T, p.Tyr246Phe (NM_001280547.2, NM_001280548.2, NM_001280549.2 and 2 more transcripts); c.413A>T, p.Tyr138Phe (NM_001280551.2, NM_001280556.2); c.608A>T, p.Tyr203Phe (NM_001280553.2, NM_001280554.2); c.539A>T, p.Tyr180Phe (NM_001280555.2); short protein forms Y180F, Y203F, Y246F, Y138F.
Identifiers: ClinVar variation 4736955 (VCV004736955.1).